The following is an entry in ClinVar:

ClinVar aggregate classification (germline): Uncertain significance (1 of 4 stars; one submission).

Submission:

GeneDx
Classification: Uncertain significance. Last evaluated: 2024-03-01. Review status: criteria provided, single submitter. Criteria: GeneDx Variant Classification Process June 2021. Collection method: clinical testing. Allele origin: germline. Affected: yes.
Comment: Not observed at significant frequency in large population cohorts (gnomAD); Missense variants in this gene are a common cause of disease and they are underrepresented in the general population; In silico analysis supports that this missense variant has a deleterious effect on protein structure/function; Has not been previously published as pathogenic or benign to our knowledge

NM_001101.5(ACTB):c.277G>C (p.Glu93Gln)

Gene: ACTB (actin beta; minus strand). Cytogenetic location: 7p22.1.
Variant type: single nucleotide variant.
Coding change: c.277G>C on transcript NM_001101.5 (MANE Select); coding-DNA position 277, G replaced by C.
Protein change: p.Glu93Gln; replaces glutamic acid 93 with glutamine.
Molecular consequence: missense variant.
Genome position (GRCh38, 1-based): chr7:5,529,247, C>G on the plus strand (G>C on the coding strand, the complement: ACTB is on the minus strand). VCF-style: chr7-5529247-C-G. GRCh37 (hg19) VCF-style: chr7-5568878-C-G.
Other names: short protein forms E93Q.
Identifiers: ClinVar variation 3373102 (VCV003373102.1).